The following is an entry in ClinVar:

ClinVar aggregate classification (germline): Pathogenic/Likely pathogenic. Review status: criteria provided, multiple submitters, no conflicts (2 of 4 stars). 3 submissions from 3 submitters: Pathogenic (1); Likely pathogenic (2). Last evaluated 2024-11-27.

Conditions:
ALDH3A2-related disorder. Also called: ALDH3A2-related condition.
Sjögren-Larsson syndrome (SLS). Also called: FALDH DEFICIENCY; FATTY ALCOHOL:NAD+ OXIDOREDUCTASE DEFICIENCY; FATTY ALDEHYDE DEHYDROGENASE DEFICIENCY; ICHTHYOSIS, SPASTIC NEUROLOGIC DISORDER, AND OLIGOPHRENIA. Identifiers: Orphanet 816, MedGen C0037231, MONDO:0010031, OMIM 270200.

Submissions (3):

Natera, Inc.
Classification: Likely pathogenic for Sjögren-Larsson syndrome. Last evaluated: 2024-11-27. Review status: criteria provided, single submitter. Criteria: Natera Variant Classification Schema (03/2026). Collection method: clinical testing. Allele origin: germline.
Comment: The c.821_822delAA variant in ALDH3A2 is a frameshift variant predicted to shift the reading frame beginning at codon 274 and leads to a stop codon 4 codons downstream. This variant is expected to result in nonsense mediated decay, truncation, or a dysfunctional protein product. This variant is rare in the general population with a frequency below the threshold expected for the associated phenotype(s). Given the available evidence, this variant is classified as Likely Pathogenic.

Labcorp Genetics (formerly Invitae), Labcorp
Classification: Pathogenic. Last evaluated: 2023-09-26. Review status: criteria provided, single submitter. Criteria: Invitae Variant Classification Sherloc (09022015). Collection method: clinical testing. Allele origin: germline.
Comment: ClinVar contains an entry for this variant (Variation ID: 1076911). This sequence change creates a premature translational stop signal (p.Lys274Argfs*4) in the ALDH3A2 gene. It is expected to result in an absent or disrupted protein product. Loss-of-function variants in ALDH3A2 are known to be pathogenic (PMID: 10577908, 10854114). This variant is not present in population databases (gnomAD no frequency). This premature translational stop signal has been observed in individual(s) with ALDH3A2-related conditions (PMID: 10577908). For these reasons, this variant has been classified as Pathogenic.

Blueprint Genetics
Classification: Likely pathogenic for ALDH3A2-related disorders. Last evaluated: 2020-12-01. Review status: criteria provided, single submitter. Criteria: ACMG Guidelines, 2015. Collection method: clinical testing. Allele origin: germline. Affected: yes. Observed: 1 variant allele.

Literature cited by the submitters: PubMed 10577908 (cited by Labcorp Genetics (formerly Invitae), Labcorp); PubMed 10854114 (cited by Labcorp Genetics (formerly Invitae), Labcorp).

NM_000382.3(ALDH3A2):c.821_822del (p.Lys274fs)

Gene: ALDH3A2 (aldehyde dehydrogenase 3 family member A2; plus strand). Cytogenetic location: 17p11.2.
Variant type: Deletion.
Coding change: c.821_822del on transcript NM_000382.3 (MANE Select); coding-DNA positions 821 to 822, 2 bases deleted (AA; older notation c.821_822delAA).
Protein change: p.Lys274fs; shifts the reading frame from lysine 274.
Molecular consequence: frameshift variant.
Genome position (GRCh38, 1-based): chr17:19,661,149-19,661,150, AA deleted; deleting any 2 consecutive bases within chr17:19,661,147-19,661,150 gives the same sequence; the c. name uses the placement nearest the transcript's 3' end. VCF-style (leftmost placement, unchanged base first): chr17-19661146-TAA-T. GRCh37 (hg19) VCF-style: chr17-19564459-TAA-T.
Other names: c.821_822delAA (NM_000382.2); c.821_822del, p.Lys274fs (NM_001031806.2, NM_001369136.1, NM_001369137.2 and 3 more transcripts); c.242_243del, p.Lys81fs (NM_001369148.2); short protein forms K274fs, K81fs.
Identifiers: ClinVar variation 1076911 (VCV001076911.7), dbSNP rs2084960336, ClinGen allele CA2497420103.